The following is an entry in ClinVar:

NM_001555.5(IGSF1):c.2396G>C (p.Cys799Ser)

Gene: IGSF1 (immunoglobulin superfamily member 1; minus strand). Cytogenetic location: Xq26.1.
Variant type: single nucleotide variant.
Coding change: c.2396G>C on transcript NM_001555.5 (MANE Select); coding-DNA position 2396, G replaced by C.
Protein change: p.Cys799Ser; replaces cysteine 799 with serine.
Molecular consequence: missense variant.
Genome position (GRCh38, 1-based): chrX:131,277,151, C>G on the plus strand (G>C on the coding strand, the complement: IGSF1 is on the minus strand). VCF-style: chrX-131277151-C-G. GRCh37 (hg19) VCF-style: chrX-130411125-C-G.
Other names: c.2411G>C, p.Cys804Ser (NM_001170961.2, NM_001438811.1, NM_001438814.1); c.2369G>C, p.Cys790Ser (NM_001170962.2); c.2396G>C, p.Cys799Ser (NM_001438812.1, NM_001438813.1, NM_001438815.1); short protein forms C790S, C799S, C804S.
Identifiers: ClinVar variation 5018162 (VCV005018162.1).
Genomic context (GRCh38, chrX:131,277,151, plus strand): 5'-GATGCTATTTCACTTCCATCTTTGTAAAGAATAAAGCTCATATGCTGGTGGGGGGTGGAG[C>G]AATTGAAAGTCACTCGGGCACCAGGGGTGACCACAGGGCTGGCCCATGTCTTGAAGAAGG-3'
Protein context (NP_001546.2, residues 789-809): VTPGARVTFN[Cys799Ser]STPHQHMSFI

ClinVar aggregate classification (germline): Uncertain significance (1 of 4 stars; one submission).

Submission:

GeneDx
Classification: Uncertain significance. Last evaluated: 2026-04-06. Review status: criteria provided, single submitter. Criteria: GeneDx Variant Classification Process June 2021. Collection method: clinical testing. Allele origin: germline.
Comment: Not observed at significant frequency in large population cohorts (gnomAD); In silico analysis supports that this missense variant has a deleterious effect on protein structure/function; Has not been previously published as pathogenic or benign to our knowledge